The following is an entry in ClinVar:

NM_001953.5(TYMP):c.838T>C (p.Cys280Arg)

Gene: TYMP (thymidine phosphorylase; minus strand). Cytogenetic location: 22q13.33.
Variant type: single nucleotide variant.
Coding change: c.838T>C on transcript NM_001953.5 (MANE Select); coding-DNA position 838, T replaced by C.
Protein change: p.Cys280Arg; replaces cysteine 280 with arginine.
Molecular consequence: missense variant.
Genome position (GRCh38, 1-based): chr22:50,526,666, A>G on the plus strand (T>C on the coding strand, the complement: TYMP is on the minus strand). VCF-style: chr22-50526666-A-G. GRCh37 (hg19) VCF-style: chr22-50965095-A-G.
Other names: c.838T>C, p.Cys280Arg (NM_001113755.3, NM_001113756.3, NM_001257988.1 and 1 more transcripts); short protein forms C280R.
Identifiers: ClinVar variation 2139320 (VCV002139320.4), dbSNP rs2069398561, ClinGen allele CA412199164.

ClinVar aggregate classification (germline): Uncertain significance (1 of 4 stars; one submission).

Allele frequency attached by ClinVar (database versions not stated): gnomAD 0.00001; TOPMed 0.00001.

Submission:

Labcorp Genetics (formerly Invitae), Labcorp
Classification: Uncertain significance. Last evaluated: 2022-08-04. Review status: criteria provided, single submitter. Criteria: Invitae Variant Classification Sherloc (09022015). Collection method: clinical testing. Allele origin: germline.
Comment: This variant has not been reported in the literature in individuals affected with TYMP-related conditions. Advanced modeling of protein sequence and biophysical properties (such as structural, functional, and spatial information, amino acid conservation, physicochemical variation, residue mobility, and thermodynamic stability) performed at Invitae indicates that this missense variant is not expected to disrupt TYMP protein function. In summary, the available evidence is currently insufficient to determine the role of this variant in disease. Therefore, it has been classified as a Variant of Uncertain Significance. This variant is not present in population databases (gnomAD no frequency). This sequence change replaces cysteine, which is neutral and slightly polar, with arginine, which is basic and polar, at codon 280 of the TYMP protein (p.Cys280Arg).